The following is an entry in ClinVar:

ClinVar aggregate classification (germline): Uncertain significance (1 of 4 stars; one submission).

Conditions:
Pheochromocytoma. Also called: MAX-Related Hereditary Paraganglioma-Pheochromocytoma Syndrome. Identifiers: Orphanet 29072, MedGen C0031511, MONDO:0008233, OMIM 171300, HP:0002666.
Pheochromocytoma/paraganglioma syndrome 4. Also called: SDHB-Related Hereditary Paraganglioma-Pheochromocytoma Syndrome (Paragangliomas 4); CAROTID BODY TUMORS AND MULTIPLE EXTRAADRENAL PHEOCHROMOCYTOMAS; PARAGANGLIOMA, FAMILIAL MALIGNANT; PARAGANGLIOMAS, HEREDITARY EXTRAADRENAL; SDHB-Related Hereditary Paraganglioma-Pheochromocytoma Syndrome; PHEOCHROMOCYTOMA, FAMILIAL EXTRAADRENAL. Identifiers: Orphanet 29072, MedGen C1861848, MONDO:0007273, OMIM 115310.
Gastrointestinal stromal tumor. Also called: Gastrointestinal stroma tumor; Gastrointestinal stromal tumor, somatic. Identifiers: Orphanet 44890, MedGen C0238198, MeSH D046152, MONDO:0011719, OMIM 606764, HP:0100723.

Submission:

Labcorp Genetics (formerly Invitae), Labcorp
Classification: Uncertain significance for Gastrointestinal stromal tumor; Pheochromocytoma/paraganglioma syndrome 4; Pheochromocytoma. Last evaluated: 2019-02-28. Review status: criteria provided, single submitter. Criteria: Invitae Variant Classification Sherloc (09022015). Collection method: clinical testing. Allele origin: germline.
Comment: In summary, the available evidence is currently insufficient to determine the role of this variant in disease. Therefore, it has been classified as a Variant of Uncertain Significance. Algorithms developed to predict the effect of missense changes on protein structure and function (SIFT, PolyPhen-2, Align-GVGD) all suggest that this variant is likely to be tolerated, but these predictions have not been confirmed by published functional studies and their clinical significance is uncertain. This variant has not been reported in the literature in individuals with SDHB-related conditions. This variant is not present in population databases (ExAC no frequency). This sequence change replaces glycine with alanine at codon 203 of the SDHB protein (p.Gly203Ala). The glycine residue is moderately conserved and there is a small physicochemical difference between glycine and alanine.

NM_003000.3(SDHB):c.608G>C (p.Gly203Ala)

Gene: SDHB (succinate dehydrogenase complex iron sulfur subunit B; minus strand). Cytogenetic location: 1p36.13.
Variant type: single nucleotide variant.
Coding change: c.608G>C on transcript NM_003000.3 (MANE Select); coding-DNA position 608, G replaced by C.
Protein change: p.Gly203Ala; replaces glycine 203 with alanine.
Molecular consequence: missense variant.
Genome position (GRCh38, 1-based): chr1:17,024,007, C>G on the plus strand (G>C on the coding strand, the complement: SDHB is on the minus strand). VCF-style: chr1-17024007-C-G. GRCh37 (hg19) VCF-style: chr1-17350502-C-G.
Other names: short protein forms G203A.
Identifiers: ClinVar variation 459159 (VCV000459159.8), dbSNP rs1553177435, ClinGen allele CA338271013.